The following is an entry in ClinVar:

NM_000070.3(CAPN3):c.286C>G (p.Gln96Glu)

Gene: CAPN3 (calpain 3; plus strand). Cytogenetic location: 15q15.1.
Variant type: single nucleotide variant.
Coding change: c.286C>G on transcript NM_000070.3 (MANE Select); coding-DNA position 286, C replaced by G.
Protein change: p.Gln96Glu; replaces glutamine 96 with glutamic acid.
Molecular consequence: missense variant.
Genome position (GRCh38, 1-based): chr15:42,360,091, C>G. VCF-style: chr15-42360091-C-G. GRCh37 (hg19) VCF-style: chr15-42652289-C-G.
Other names: c.286C>G, p.Gln96Glu (NM_024344.2, NM_173087.2); short protein forms Q96E.
Identifiers: ClinVar variation 581621 (VCV000581621.14), dbSNP rs1476836379, ClinGen allele CA391995240.

ClinVar aggregate classification (germline): Uncertain significance. Review status: criteria provided, single submitter (1 of 4 stars). 2 submissions from 2 submitters: Uncertain significance (1). 1 of the submissions does not count toward it. Last evaluated 2019-04-05.

Conditions:
Autosomal recessive limb-girdle muscular dystrophy type 2A (LGMDR1). Also called: Limb-girdle muscular dystrophy, type 2A; Muscular dystrophy, limb-girdle, type 2A, Amish; Calpainopathy; LEYDEN-MOEBIUS MUSCULAR DYSTROPHY; MUSCULAR DYSTROPHY, PELVOFEMORAL. Identifiers: Orphanet 267, MedGen C1869123, MONDO:0009675, OMIM 253600. Disease mechanism: loss of function.

Allele frequency attached by ClinVar (database versions not stated): gnomAD exomes 0.00001 and 0.00002; TOPMed 0.00003; gnomAD 0.00006.
gnomAD v4.1: 14 of 1,614,110 alleles (0.00087%); highest among the groups gnomAD compares: Admixed American, 0.023%; no homozygotes.

Submissions (2):

Labcorp Genetics (formerly Invitae), Labcorp
Classification: Uncertain significance for Autosomal recessive limb-girdle muscular dystrophy type 2A. Last evaluated: 2019-04-05. Review status: criteria provided, single submitter. Criteria: Invitae Variant Classification Sherloc (09022015). Collection method: clinical testing. Allele origin: germline.
Comment: Algorithms developed to predict the effect of missense changes on protein structure and function (SIFT, PolyPhen-2, Align-GVGD) all suggest that this variant is likely to be tolerated, but these predictions have not been confirmed by published functional studies and their clinical significance is uncertain. This sequence change replaces glutamine with glutamic acid at codon 96 of the CAPN3 protein (p.Gln96Glu). The glutamine residue is moderately conserved and there is a small physicochemical difference between glutamine and glutamic acid. This variant is not present in population databases (ExAC no frequency). This variant has not been reported in the literature in individuals with CAPN3-related disease. In summary, the available evidence is currently insufficient to determine the role of this variant in disease. Therefore, it has been classified as a Variant of Uncertain Significance.

Natera, Inc.
Classification: Uncertain significance for Limb-girdle muscular dystrophy type 2A. Last evaluated: 2019-10-28. Review status: no assertion criteria provided. Collection method: clinical testing. Allele origin: germline. Not counted in ClinVar's aggregate classification.